The following is an entry in ClinVar:

NM_198578.4(LRRK2):c.3017T>C (p.Ile1006Thr)

Gene: LRRK2 (leucine rich repeat kinase 2; plus strand). Cytogenetic location: 12q12.
Variant type: single nucleotide variant.
Coding change: c.3017T>C on transcript NM_198578.4 (MANE Select); coding-DNA position 3017, T replaced by C.
Protein change: p.Ile1006Thr; replaces isoleucine 1006 with threonine.
Molecular consequence: missense variant.
Genome position (GRCh38, 1-based): chr12:40,295,565, T>C. VCF-style: chr12-40295565-T-C. GRCh37 (hg19) VCF-style: chr12-40689367-T-C.
Other names: short protein forms I1006T.
Identifiers: ClinVar variation 3291994 (VCV003291994.1).

ClinVar aggregate classification (germline): Uncertain significance (1 of 4 stars; one submission).

Conditions:
Inborn genetic diseases. Identifiers: MedGen C0950123, MeSH D030342.

Submission:

Ambry Genetics
Classification: Uncertain significance for Inborn genetic diseases. Last evaluated: 2024-05-06. Review status: criteria provided, single submitter. Criteria: Ambry Variant Classification Scheme 2023. Collection method: clinical testing. Allele origin: germline.
Comment: The p.I1006T variant (also known as c.3017T>C), located in coding exon 23 of the LRRK2 gene, results from a T to C substitution at nucleotide position 3017. The isoleucine at codon 1006 is replaced by threonine, an amino acid with similar properties. This amino acid position is conserved. In addition, this alteration is predicted to be tolerated by in silico analysis. Based on the available evidence, the clinical significance of this variant remains unclear.